The following is an entry in ClinVar:

ClinVar aggregate classification (germline): Uncertain significance (1 of 4 stars; one submission).

Conditions:
X-linked lymphoproliferative disease due to XIAP deficiency. Also called: XIAP DEFICIENCY; XIAP-Related Lymphoproliferative Disease, X-Linked. Identifiers: Orphanet 2442, Orphanet 538934, MedGen C1845076, MONDO:0010385, OMIM 300635.

gnomAD v4.1: 1 of 1,211,919 alleles (0.000083%); highest among the groups gnomAD compares: Non-Finnish European, 0.00011%; no homozygotes.

Submission:

Labcorp Genetics (formerly Invitae), Labcorp
Classification: Uncertain significance for X-linked lymphoproliferative disease due to XIAP deficiency. Last evaluated: 2023-10-05. Review status: criteria provided, single submitter. Criteria: Invitae Variant Classification Sherloc (09022015). Collection method: clinical testing. Allele origin: germline.
Comment: This sequence change replaces valine, which is neutral and non-polar, with methionine, which is neutral and non-polar, at codon 61 of the XIAP protein (p.Val61Met). This variant is not present in population databases (gnomAD no frequency). This variant has not been reported in the literature in individuals affected with XIAP-related conditions. ClinVar contains an entry for this variant (Variation ID: 1349350). Advanced modeling of protein sequence and biophysical properties (such as structural, functional, and spatial information, amino acid conservation, physicochemical variation, residue mobility, and thermodynamic stability) performed at Invitae indicates that this missense variant is expected to disrupt XIAP protein function. In summary, the available evidence is currently insufficient to determine the role of this variant in disease. Therefore, it has been classified as a Variant of Uncertain Significance.

NM_001167.4(XIAP):c.181G>A (p.Val61Met)

Gene: XIAP (X-linked inhibitor of apoptosis; plus strand). Cytogenetic location: Xq25.
Variant type: single nucleotide variant.
Coding change: c.181G>A on transcript NM_001167.4 (MANE Select); coding-DNA position 181, G replaced by A.
Protein change: p.Val61Met; replaces valine 61 with methionine.
Molecular consequence: missense variant.
Genome position (GRCh38, 1-based): chrX:123,885,843, G>A. VCF-style: chrX-123885843-G-A. GRCh37 (hg19) VCF-style: chrX-123019693-G-A.
Other names: c.181G>A, p.Val61Met (NM_001204401.2, NM_001378590.1, NM_001378591.1 and 1 more transcripts); short protein forms V61M.
Identifiers: ClinVar variation 1349350 (VCV001349350.6), dbSNP rs2148089430, ClinGen allele CA414122881.